The following is an entry in ClinVar:

ClinVar aggregate classification (germline): Benign (3 of 4 stars; one submission).

Conditions:
Breast-ovarian cancer, familial, susceptibility to, 1 (BROVCA1). Also called: BRCA1 Hereditary Breast and Ovarian Cancer; OVARIAN CANCER, SUSCEPTIBILITY TO. Identifiers: Orphanet 145, MedGen C2676676, MONDO:0011450, OMIM 604370. Disease mechanism: loss of function.

Submission:

Evidence-based Network for the Interpretation of Germline Mutant Alleles (ENIGMA)
Classification: Benign for Breast-ovarian cancer, familial, susceptibility to, 1. Last evaluated: 2016-09-28. Review status: reviewed by expert panel. Criteria: ENIGMA BRCA1/2 Classification Criteria (2015). Collection method: curation. Allele origin: germline.
Comment: Class 1 not pathogenic based on frequency >1% in an outbred sampleset. Frequency 0.5358 (European), 0.4924 (African), 0.464 (Admixed American/Latino), 0.4583 (East Asian), 0.5521 (South Asian), derived from 1000 genomes (2013-05-02).

NM_007294.4(BRCA1):c.*873del

Gene: BRCA1 (BRCA1 DNA repair associated; minus strand). Cytogenetic location: 17q21.31.
Variant type: Deletion.
Coding change: c.*873del on transcript NM_007294.4 (MANE Select); 873 bases downstream of the stop codon, one base deleted (A; older notation c.*873delA).
Molecular consequence: 3 prime UTR variant. On other transcripts: non-coding transcript variant (1).
Genome position (GRCh38, 1-based): chr17:43,044,805, T deleted on the plus strand (A on the coding strand, the reverse complement: BRCA1 is on the minus strand); the first of 19 consecutive T bases (chr17:43,044,805-43,044,823); deleting any one gives the same sequence. VCF-style (leftmost placement, unchanged base first): chr17-43044804-CT-C. GRCh37 (hg19) VCF-style: chr17-41196821-CT-C.
Other names: c.*855delA (NM_001407571.1, NM_001407581.1, NM_001407582.1 and 347 more transcripts); c.*961delA (NM_001407854.1, NM_001407858.1, NM_001407859.1 and 13 more transcripts); c.*873del (NM_007297.4, NM_007300.4); c.*979del (NM_007299.4).
Identifiers: ClinVar variation 264856 (VCV000264856.7), dbSNP rs59541324, ClinGen allele CA8589936.